The following is an entry in ClinVar:

ClinVar aggregate classification (germline): Uncertain significance (1 of 4 stars; one submission).

Conditions:
Hereditary cancer-predisposing syndrome. Also called: Neoplastic Syndromes, Hereditary; Tumor predisposition; Hereditary Cancer Syndrome; Hereditary neoplastic syndrome. Identifiers: Orphanet 140162, MedGen C0027672, MeSH D009386, MONDO:0015356.

Submission:

Ambry Genetics
Classification: Uncertain significance for Hereditary cancer-predisposing syndrome. Last evaluated: 2024-10-05. Review status: criteria provided, single submitter. Criteria: Ambry Variant Classification Scheme 2023. Collection method: clinical testing. Allele origin: germline.
Comment: The c.6150_6152delGAA variant (also known as p.K2052del) is located in coding exon 15 of the APC gene. This variant results from an in-frame GAA deletion at nucleotide positions 6150 to 6152. This results in the in-frame deletion of a lysine at codon 2052. This amino acid position is not well conserved in available vertebrate species. In addition, this alteration is predicted to be neutral by in silico analysis (Choi Y et al. PLoS ONE. 2012; 7(10):e46688). Based on the available evidence, the clinical significance of this variant remains unclear.

NM_000038.6(APC):c.6150_6152del (p.Lys2052del)

Gene: APC (APC regulator of Wnt signaling pathway; plus strand). Cytogenetic location: 5q22.2.
Variant type: Deletion.
Coding change: c.6150_6152del on transcript NM_000038.6 (MANE Select); coding-DNA positions 6150 to 6152, 3 bases deleted (GAA; older notation c.6150_6152delGAA).
Protein change: p.Lys2052del; deletes lysine 2052.
Molecular consequence: non-coding transcript variant (on NR_176365.1).
Genome position (GRCh38, 1-based): chr5:112,841,744-112,841,746, GAA deleted; deleting any 3 consecutive bases within chr5:112,841,742-112,841,746 gives the same sequence; the c. name uses the placement nearest the transcript's 3' end. VCF-style (leftmost placement, unchanged base first): chr5-112841741-AAAG-A. GRCh37 (hg19) VCF-style: chr5-112177438-AAAG-A.
Other names: c.6150_6152del, p.Lys2052del (NM_001127510.3, NM_001354895.2, NM_001407450.1); c.6096_6098del, p.Lys2034del (NM_001127511.3); c.6204_6206del, p.Lys2070del (NM_001354896.2, NM_001407447.1, NM_001407448.1 and 1 more transcripts); c.6180_6182del, p.Lys2062del (NM_001354897.2); c.6075_6077del, p.Lys2027del (NM_001354898.2); c.6066_6068del, p.Lys2024del (NM_001354899.2); c.6027_6029del, p.Lys2011del (NM_001354900.2); c.5973_5975del, p.Lys1993del (NM_001354901.2, NM_001407453.1); and 11 more; short protein forms K1769del, K1951del, K1969del, K2011del, K2045del, K2052del, K1923del, K1926del.
Identifiers: ClinVar variation 3411274 (VCV003411274.1).
Genomic context (GRCh38, chr5:112,841,741, plus strand): 5'-TCTTAGTATTGACTCTGAAGATGACCTGTTGCAGGAATGTATAAGCTCCGCAATGCCAAA[AAAG>A]AAAAAGCCTTCAAGACTCAAGGGTGATAATGAAAAACATAGTCCCAGAAATATGGGTGGC-3'